The following is an entry in ClinVar:

ClinVar aggregate classification (germline): Pathogenic. Review status: reviewed by expert panel (3 of 4 stars). 5 submissions from 5 submitters: Pathogenic (1). 4 of the submissions do not count toward it. Last evaluated 2026-01-26.

Conditions:
Hereditary factor VIII deficiency disease (HEMA). Also called: Hemophilia A, congenital; HEM A; Factor 8 deficiency, congenital; HEMOPHILIA, CLASSIC; AUTOSOMAL HEMOPHILIA A; Hemophilia A. Identifiers: Orphanet 98878, MedGen C0019069, MONDO:0010602, OMIM 306700.

Allele frequency attached by ClinVar (database versions not stated): TOPMed 0.00005.

Submissions (5):

ClinGen Coagulation Factor Deficiency Variant Curation Expert Panel, Clingen
Classification: Pathogenic for Hereditary factor VIII deficiency disease. Last evaluated: 2026-01-26. Review status: reviewed by expert panel. Criteria: ClinGen CoagFactor ACMG Specifications F8 V1.0.0. Collection method: curation. Allele origin: germline. Inheritance: X-linked inheritance.
Comment: The c.6976C>T (p.Arg2326Ter) creates a premature stop codon in exon 26, which is the last exon of the F8 gene. Therefore, protein is not expected to undergo NMD and meets PVS1_Strong. This variant is completely absent from gnomAD v2.1.1 and v3.1.1, which meets PM2_Supporting. More than 20 patients are reported in the literature with severe/moderate hemophilia A, meeting F8 phenotype criteria for PS4_Very strong and PP4_Moderate. The variant was also reported in two affected brothers and their carrier mother, which meets criteria for PP1 (PMID: 2987704). There is also at least one report of a de novo case where maternity was not confirmed, meeting PS2_Moderate (PMID: 2104741). In summary, this variant meets criteria to be classified as pathogenic. ACMG/AMP criteria applied, as specified by the Coagulation Factor Deficiency Variant Curation Expert Panel for F9: PVS1_Strong, PS4_Very strong, PS2_Moderate, PP4_Moderate, PM2_Supporting, PP1.

GeneDx
Classification: Pathogenic. Last evaluated: 2025-02-03. Review status: criteria provided, single submitter. Criteria: GeneDx Variant Classification Process June 2021. Collection method: clinical testing. Allele origin: germline. Affected: yes. Not counted in ClinVar's aggregate classification.
Comment: Published functional studies found this variant is associated with significantly reduced factor VIII expression (PMID: 35924581); Not observed at significant frequency in large population cohorts (gnomAD); Nonsense variant predicted to result in protein truncation as the last 26 amino acids are lost; This variant is associated with the following publications: (PMID: 32897612, 2987704, 33245802, 33706050, 35014236, 20193250, 35924581, 7959679, 2104741, 15921397, 32026663, 2473810, 1840568, 8485051, 1924291, 8644728, 12325022, 15810915, 19686262, 31134694, 25550078)

ARUP Laboratories, Molecular Genetics and Genomics, ARUP Laboratories
Classification: Pathogenic for Hereditary factor VIII deficiency disease. Last evaluated: 2021-01-08. Review status: criteria provided, single submitter. Criteria: ARUP Molecular Germline Variant Investigation Process 2021. Collection method: clinical testing. Allele origin: germline. Not counted in ClinVar's aggregate classification.
Comment: The F8 c.6976C>T; p.Arg2326Ter variant (rs137852354), also known as p.Arg2307Ter, is reported in the literature in numerous individuals affected with severe hemophilia A and several individuals with mild-to-moderate hemophilia (Becker 1996, Gitschier 1985, Higuchi 1989, Higuchi 1991, Hill 2005, Hua 2010, Jayandharan 2009, Levinson 1990, Millar 1991, Nair 2016, Factor VIII database). The p.Arg2326Ter variant cosegregates with affected individuals in at least one family (Gitschier 1985) and has been reported as a de novo variant in another case (Levinson 1990). This variant is reported in ClinVar (Variation ID: 10085) and is absent from general population databases (Exome Variant Server, Genome Aggregation Database), indicating it is not a common polymorphism. This variant results in a premature termination codon in the last exon of the F8 gene. While this may not lead to nonsense-mediated decay, it is predicted to produce a truncated protein lacking 26 amino acids, many of which exhibit pathogenic missense variants and thus are likely to be functionally important. Based on available information, the p.Arg2326Ter variant is considered to be pathogenic. References: Factor VIII database: Becker J et al. Characterization of the factor VIII defect in 147 patients with sporadic hemophilia A: family studies indicate a mutation type-dependent sex ratio of mutation frequencies. Am J Hum Genet. 1996 Apr;58(4):657-70. Gitschier J et al. Detection and sequence of mutations in the factor VIII gene of haemophiliacs. Nature. 1985 May 30-Jun 5;315(6018):427-30. Higuchi M et al. Molecular characterization of severe hemophilia A suggests that about half the mutations are not within the coding regions and splice junctions of the factor VIII gene. Proc Natl Acad Sci U S A. 1991 Aug 15;88(16):7405-9. Higuchi M et al. Molecular defects in hemophilia A: identification and characterization of mutations in the factor VIII gene and family analysis. Blood. 1989 Aug 15;74(3):1045-51. Hill M et al. Mutation analysis in 51 patients with haemophilia A: report of 10 novel mutations and correlations between genotype and clinical phenotype. Haemophilia. 2005 Mar;11(2):133-41. Hua BL et al. Identification of seven novel mutations in the factor VIII gene in 18 unrelated Chinese patients with hemophilia A. Chin Med J (Engl). 2010 Feb 5;123(3):305-10. Jayandharan GR et al. Polymorphism in factor VII gene modifies phenotype of severe haemophilia. Haemophilia. 2009 Nov;15(6):1228-36. Levinson B et al. Molecular analysis of hemophilia A mutations in the Finnish population. Am J Hum Genet. 1990 Jan;46(1):53-62. Millar DS et al. The molecular genetics of haemophilia A: screening for point mutations in the factor VIII gene using the restriction enzyme TaqI. Hum Genet. 1991 Sep;87(5):607-12. Nair PS et al. Factor VIII Antigen, Activity, and Mutations in Hemophilia A. Clin Appl Thromb Hemost. 2016 May;22(4):381-5.

Genetics and Molecular Pathology, SA Pathology
Classification: Pathogenic for Hereditary factor VIII deficiency disease. Last evaluated: 2020-03-20. Review status: criteria provided, single submitter. Criteria: ACMG Guidelines, 2015. Collection method: clinical testing. Allele origin: germline. Inheritance: X-linked recessive inheritance. Affected: yes. Not counted in ClinVar's aggregate classification.
Comment: PVS1, PM2, PP4, PP5

OMIM
Classification: Pathogenic for HEMOPHILIA A. Last evaluated: 1988-09-01. Review status: no assertion criteria provided. Collection method: literature only. Allele origin: germline. Not counted in ClinVar's aggregate classification.

Literature cited by the submitters: PubMed 2901224 (cited by OMIM).

NM_000132.4(F8):c.6976C>T (p.Arg2326Ter)

Gene: F8 (coagulation factor VIII; minus strand). Cytogenetic location: Xq28.
Variant type: single nucleotide variant.
Coding change: c.6976C>T on transcript NM_000132.4 (MANE Select); coding-DNA position 6976, C replaced by T.
Protein change: p.Arg2326Ter; replaces arginine 2326 with a stop codon.
Molecular consequence: nonsense.
Genome position (GRCh38, 1-based): chrX:154,837,677, G>A on the plus strand (C>T on the coding strand, the complement: F8 is on the minus strand). VCF-style: chrX-154837677-G-A. GRCh37 (hg19) VCF-style: chrX-154065952-G-A.
Other names: F8, ARG2307TER; R2307*; NM_000132.4(F8):c.6976C>T; p.Arg2326Ter; c.571C>T, p.Arg191Ter (NM_019863.3); short protein forms R2326*, R191*.
Identifiers: ClinVar variation 10085 (VCV000010085.14), dbSNP rs137852354, ClinGen allele CA255007.
Genomic context (GRCh38, chrX:154,837,677, plus strand): 5'-CGCAGCCCAGAACCTCCATCCTCAGGGCAATCTGGTGCACCCAACTCTGGGGGTGAATTC[G>A]AAGGTAGCGAGTCAGTAACGGTGGGTCTAGAGAGTTCACCACAGGTGTGAAGGAGTCTTG-3'